The following is an entry in ClinVar:

ClinVar aggregate classification (germline): Uncertain significance (1 of 4 stars; one submission).

Allele frequency attached by ClinVar (database versions not stated): TOPMed below 0.00001; ExAC 0.00001; gnomAD exomes 0.00001.
gnomAD v4.1: 8 of 1,614,078 alleles (0.0005%); highest among the groups gnomAD compares: Admixed American, 0.0017%; no homozygotes.

Submission:

Labcorp Genetics (formerly Invitae), Labcorp
Classification: Uncertain significance. Last evaluated: 2024-04-14. Review status: criteria provided, single submitter. Criteria: Invitae Variant Classification Sherloc (09022015). Collection method: clinical testing. Allele origin: germline.
Comment: This sequence change replaces leucine, which is neutral and non-polar, with proline, which is neutral and non-polar, at codon 569 of the MICAL1 protein (p.Leu569Pro). This variant is present in population databases (rs757426218, gnomAD 0.0009%). This variant has not been reported in the literature in individuals affected with MICAL1-related conditions. An algorithm developed to predict the effect of missense changes on protein structure and function (PolyPhen-2) suggests that this variant is likely to be disruptive. In summary, the available evidence is currently insufficient to determine the role of this variant in disease. Therefore, it has been classified as a Variant of Uncertain Significance.

NM_022765.4(MICAL1):c.1649T>C (p.Leu550Pro)

Gene: MICAL1 (microtubule associated monooxygenase, calponin and LIM domain containing 1; minus strand). Cytogenetic location: 6q21.
Variant type: single nucleotide variant.
Coding change: c.1649T>C on transcript NM_022765.4 (MANE Select); coding-DNA position 1649, T replaced by C.
Protein change: p.Leu550Pro; replaces leucine 550 with proline.
Molecular consequence: missense variant.
Genome position (GRCh38, 1-based): chr6:109,448,747, A>G on the plus strand (T>C on the coding strand, the complement: MICAL1 is on the minus strand). VCF-style: chr6-109448747-A-G. GRCh37 (hg19) VCF-style: chr6-109769950-A-G.
Other names: c.1391T>C, p.Leu464Pro (NM_001159291.2); c.1706T>C, p.Leu569Pro (NM_001286613.2); short protein forms L464P, L550P, L569P.
Identifiers: ClinVar variation 2994852 (VCV002994852.3), dbSNP rs757426218, ClinGen allele CA3953269.
Genomic context (GRCh38, chr6:109,448,747, plus strand): 5'-CTACACTGAGATCATGAGAGAGAGGTGGGTCTGCCAGGGACTCACAGCAGGCCAGGCTGC[A>G]GCCGGTACACCAGGGCACACAGAGCTAGCCCATCAGCCCAGGAGGAAGACAAATCGGAGA-3'
Protein context (NP_073602.3, residues 540-560): GLALCALVYR[Leu550Pro]QPGLLEPSEL